The following is an entry in ClinVar:

ClinVar aggregate classification (germline): Conflicting classifications of pathogenicity. Review status: criteria provided, conflicting classifications (1 of 4 stars). 2 submissions from 2 submitters: Uncertain significance (1); Likely benign (1). Last evaluated 2024-04-01.

Conditions:
Alagille syndrome due to a NOTCH2 point mutation. Also called: Alagille syndrome 2. Identifiers: Orphanet 261629, Orphanet 52, MedGen C1857761, MONDO:0012439, OMIM 610205.
Hajdu-Cheney syndrome (HJCYS). Also called: ACROOSTEOLYSIS WITH OSTEOPOROSIS AND CHANGES IN SKULL AND MANDIBLE; SERPENTINE FIBULA-POLYCYSTIC KIDNEY SYNDROME; Acroosteolysis dominant type. Identifiers: Orphanet 955, MedGen C0917715, MONDO:0007057, OMIM 102500.

Allele frequency attached by ClinVar (database versions not stated): gnomAD 0.00001; TOPMed 0.00002; gnomAD exomes 0.00006; ExAC 0.00008.
gnomAD v4.1: 86 of 1,613,602 alleles (0.0053%); highest among the groups gnomAD compares: Middle Eastern, 0.016%; no homozygotes.

Submissions (2):

CeGaT Center for Human Genetics Tuebingen
Classification: Likely benign. Last evaluated: 2024-04-01. Review status: criteria provided, single submitter. Criteria: CeGaT Center For Human Genetics Tuebingen Variant Classification Criteria Version 2. Collection method: clinical testing. Allele origin: germline. Affected: yes. Observed: 1 variant allele.
Comment: NOTCH2: BP4, BP7

Fulgent Genetics
Classification: Uncertain significance for Hajdu-Cheney syndrome; Alagille syndrome due to a NOTCH2 point mutation. Last evaluated: 2024-01-24. Review status: criteria provided, single submitter. Criteria: ACMG Guidelines, 2015. Collection method: clinical testing. Allele origin: germline.

NM_024408.4(NOTCH2):c.273A>G (p.Arg91=)

Gene: NOTCH2 (notch receptor 2; minus strand). Cytogenetic location: 1p12.
Variant type: single nucleotide variant.
Coding change: c.273A>G on transcript NM_024408.4 (MANE Select); coding-DNA position 273, A replaced by G.
Protein change: p.Arg91=; no amino-acid change (arginine 91 retained).
Molecular consequence: synonymous variant.
Genome position (GRCh38, 1-based): chr1:120,005,471, T>C on the plus strand (A>G on the coding strand, the complement: NOTCH2 is on the minus strand). VCF-style: chr1-120005471-T-C. GRCh37 (hg19) VCF-style: chr1-120548094-T-C.
Other names: c.273A>G, p.Arg91= (NM_001200001.2).
Identifiers: ClinVar variation 3234143 (VCV003234143.21), dbSNP rs201643251, ClinGen allele CA1040895.
Genomic context (GRCh38, chr1:120,005,471, plus strand): 5'-CACAAAGCATGGATGAGATGTTGAGTACTGGCAGTCCTCTCCTGTAAACCCTGAGGCACA[T>C]CGGCACGTGGCTTTCCCCAGCATGGCCTGGGCCACACAAGTCCCACCATTCTGGCAGCGG-3'
Protein context (NP_077719.2, residues 81-101): AQAMLGKATC[Arg91=]CASGFTGEDC